The following is an entry in ClinVar:

ClinVar aggregate classification (germline): Pathogenic (1 of 4 stars; one submission).

Conditions:
Aniridia 1 (AN1). Identifiers: Orphanet 250923, MedGen C0344542, MONDO:0024507, OMIM 106210.
Irido-corneo-trabecular dysgenesis (ASGD5). Also called: ANTERIOR SEGMENT DYSGENESIS 5. Identifiers: Orphanet 708, MedGen C0344559, MONDO:0011414, OMIM 604229, HP:0000659.

Submission:

Labcorp Genetics (formerly Invitae), Labcorp
Classification: Pathogenic for Aniridia 1; Irido-corneo-trabecular dysgenesis. Last evaluated: 2025-03-31. Review status: criteria provided, single submitter. Criteria: Invitae Variant Classification Sherloc (09022015). Collection method: clinical testing. Allele origin: germline.
Comment: This sequence change affects the initiator methionine of the PAX6 mRNA. The next in-frame methionine is located at codon 137. This variant is not present in population databases (gnomAD no frequency). Disruption of the initiator codon has been observed in individuals with aniridia (PMID: 9727514, 10234503, 21850189). ClinVar contains an entry for this variant (Variation ID: 460461). For these reasons, this variant has been classified as Pathogenic.

Literature cited by the submitters: PubMed 9727514; PubMed 10234503; PubMed 21850189.

NM_001368894.2(PAX6):c.3G>A (p.Met1Ile)

Gene: PAX6 (paired box 6; minus strand). Cytogenetic location: 11p13.
Variant type: single nucleotide variant.
Coding change: c.3G>A on transcript NM_001368894.2 (MANE Select); coding-DNA position 3, G replaced by A.
Protein change: p.Met1Ile; changes the start codon (methionine 1).
Molecular consequence: missense variant, initiator codon variant. On other transcripts: 5 prime UTR variant (2), non-coding transcript variant (2), intron variant (2).
Genome position (GRCh38, 1-based): chr11:31,806,409, C>T on the plus strand (G>A on the coding strand, the complement: PAX6 is on the minus strand). VCF-style: chr11-31806409-C-T. GRCh37 (hg19) VCF-style: chr11-31827957-C-T.
Other names: c.3G>A, p.Met1Ile (NM_000280.6, NM_001127612.3, NM_001258462.3 and 30 more transcripts); c.-275G>A (NM_001368904.2); c.-779G>A (NM_001368905.2); c.103G>A, p.Ala35Thr (NM_001368910.2); c.-268+4419G>A (NM_001368909.2); c.14-3575G>A (NM_001368911.2); short protein forms M1I, A35T.
Identifiers: ClinVar variation 460461 (VCV000460461.6), dbSNP rs1554986754, ClinGen allele CA379960119.
Genomic context (GRCh38, chr11:31,806,409, plus strand): 5'-CTCGGGTCCGCGCACCCCGAGCCCGAAGTCCCAGAAAGACCAGAGGCACTTACTGTTCTG[C>T]ATGCTGGCTCTGGCTGGGGGCCGCGGGATTCCACGGGGCTCGAATATGGGGCTCTGTTAG-3'
Protein context (NP_001355823.1, residues 1-11): [Met1Ile]QNSHSGVNQL